The following is an entry in ClinVar:

ClinVar aggregate classification (germline): Conflicting classifications of pathogenicity. Review status: criteria provided, conflicting classifications (1 of 4 stars). 2 submissions from 2 submitters: Likely pathogenic (1); Uncertain significance (1). Last evaluated 2025-11-11.

Conditions:
L-2-hydroxyglutaric aciduria (L2HGA). Identifiers: Orphanet 79314, MedGen C1855995, MONDO:0009370, OMIM 236792, HP:0040144.

Allele frequency attached by ClinVar (database versions not stated): gnomAD exomes 0.00001; TOPMed 0.00002; gnomAD 0.00003.

Submissions (2):

Labcorp Genetics (formerly Invitae), Labcorp
Classification: Likely pathogenic for L-2-hydroxyglutaric aciduria. Last evaluated: 2025-11-11. Review status: criteria provided, single submitter. Criteria: Invitae Variant Classification Sherloc (09022015). Collection method: clinical testing. Allele origin: germline.
Comment: This sequence change replaces arginine, which is basic and polar, with tryptophan, which is neutral and slightly polar, at codon 282 of the L2HGDH protein (p.Arg282Trp). This variant is present in population databases (rs570111306, gnomAD 0.01%). This missense change has been observed in individuals with clinical features of L-2-hydroxyglutaric aciduria (PMID: 20052767; internal data). ClinVar contains an entry for this variant (Variation ID: 2137580). Invitae Evidence Modeling of protein sequence and biophysical properties (such as structural, functional, and spatial information, amino acid conservation, physicochemical variation, residue mobility, and thermodynamic stability) indicates that this missense variant is expected to disrupt L2HGDH protein function with a positive predictive value of 95%. This variant disrupts the p.Arg282 amino acid residue in L2HGDH. Other variant(s) that disrupt this residue have been observed in individuals with L2HGDH-related conditions (PMID: 18362286), which suggests that this may be a clinically significant amino acid residue. In summary, the currently available evidence indicates that the variant is pathogenic, but additional data are needed to prove that conclusively. Therefore, this variant has been classified as Likely Pathogenic.

Blueprint Genetics
Classification: Uncertain significance. Last evaluated: 2024-03-19. Review status: criteria provided, single submitter. Criteria: ACMG Guidelines, 2015. Collection method: clinical testing. Allele origin: germline.

Literature cited by the submitters: PubMed 20052767 (cited by Labcorp Genetics (formerly Invitae), Labcorp); PubMed 18362286 (cited by Labcorp Genetics (formerly Invitae), Labcorp).

NM_024884.3(L2HGDH):c.844C>T (p.Arg282Trp)

Gene: L2HGDH (L-2-hydroxyglutarate dehydrogenase; minus strand). Cytogenetic location: 14q21.3.
Variant type: single nucleotide variant.
Coding change: c.844C>T on transcript NM_024884.3 (MANE Select); coding-DNA position 844, C replaced by T.
Protein change: p.Arg282Trp; replaces arginine 282 with tryptophan.
Molecular consequence: missense variant.
Genome position (GRCh38, 1-based): chr14:50,269,225, G>A on the plus strand (C>T on the coding strand, the complement: L2HGDH is on the minus strand). VCF-style: chr14-50269225-G-A. GRCh37 (hg19) VCF-style: chr14-50735943-G-A.
Other names: short protein forms R282W.
Identifiers: ClinVar variation 2137580 (VCV002137580.5), dbSNP rs570111306, ClinGen allele CA260740006.